The following is an entry in ClinVar:

ClinVar aggregate classification (germline): Uncertain significance (1 of 4 stars; one submission).

Conditions:
Ehlers-Danlos syndrome, classic type, 1 (EDSCL1). Also called: Ehlers-Danlos syndrome, type 1; Ehlers-Danlos Syndrome, Classic Type, COL5A1-Related; EDS I; EHLERS-DANLOS SYNDROME, GRAVIS TYPE; EHLERS-DANLOS SYNDROME, SEVERE CLASSIC TYPE. Identifiers: MedGen C0268335, MONDO:0019567, OMIM 130000.

Submission:

Labcorp Genetics (formerly Invitae), Labcorp
Classification: Uncertain significance for Ehlers-Danlos syndrome, classic type, 1. Last evaluated: 2022-06-14. Review status: criteria provided, single submitter. Criteria: Invitae Variant Classification Sherloc (09022015). Collection method: clinical testing. Allele origin: germline.
Comment: In summary, the available evidence is currently insufficient to determine the role of this variant in disease. Therefore, it has been classified as a Variant of Uncertain Significance. Advanced modeling of protein sequence and biophysical properties (such as structural, functional, and spatial information, amino acid conservation, physicochemical variation, residue mobility, and thermodynamic stability) performed at Invitae indicates that this missense variant is not expected to disrupt COL5A2 protein function. This variant has not been reported in the literature in individuals affected with COL5A2-related conditions. This variant is not present in population databases (gnomAD no frequency). This sequence change replaces glutamine, which is neutral and polar, with glutamic acid, which is acidic and polar, at codon 46 of the COL5A2 protein (p.Gln46Glu).

NM_000393.5(COL5A2):c.136C>G (p.Gln46Glu)

Gene: COL5A2 (collagen type V alpha 2 chain; minus strand). Cytogenetic location: 2q32.2.
Variant type: single nucleotide variant.
Coding change: c.136C>G on transcript NM_000393.5 (MANE Select); coding-DNA position 136, C replaced by G.
Protein change: p.Gln46Glu; replaces glutamine 46 with glutamic acid.
Molecular consequence: missense variant.
Genome position (GRCh38, 1-based): chr2:189,110,411, G>C on the plus strand (C>G on the coding strand, the complement: COL5A2 is on the minus strand). VCF-style: chr2-189110411-G-C. GRCh37 (hg19) VCF-style: chr2-189975137-G-C.
Other names: short protein forms Q46E.
Identifiers: ClinVar variation 1927127 (VCV001927127.5), dbSNP rs2469425484, ClinGen allele CA349868690.